The following is an entry in ClinVar:

ClinVar aggregate classification (germline): Uncertain significance. Review status: criteria provided, multiple submitters, no conflicts (2 of 4 stars). 2 submissions from 2 submitters: Uncertain significance (2). Last evaluated 2025-09-01.

Conditions:
Inborn genetic diseases. Identifiers: MedGen C0950123, MeSH D030342.
von Willebrand disease type 1 (VWD1). Also called: VON WILLEBRAND DISEASE, TYPE I; VWD, TYPE 1. Identifiers: Orphanet 166078, Orphanet 903, MedGen C1264039, MONDO:0008668, OMIM 193400. Inheritance: autosomal recessive or autosomal dominant.

Allele frequency attached by ClinVar (database versions not stated): TOPMed 0.00008; gnomAD 0.00010; ExAC 0.00003; gnomAD exomes 0.00005.

Submissions (2):

Ambry Genetics
Classification: Uncertain significance for Inborn genetic diseases. Last evaluated: 2025-09-01. Review status: criteria provided, single submitter. Criteria: Ambry Variant Classification Scheme 2023. Collection method: clinical testing. Allele origin: germline.

ISTH-SSC Genomics in Thrombosis and Hemostasis, KU Leuven, Center for Molecular and Vascular Biology
Classification: Uncertain significance for von Willebrand disease type 1. Review status: criteria provided, single submitter. Criteria: ACMG Guidelines, 2015. Collection method: clinical testing. Allele origin: germline. Affected: yes. Observed: 1 heterozygote.
Comment: Submitted to the GoldVariant database by Kathleen Freson, Center for Molecular and Vascular Biology

NM_000552.5(VWF):c.2291G>A (p.Ser764Asn)

Gene: VWF (von Willebrand factor; minus strand). Cytogenetic location: 12p13.31.
Variant type: single nucleotide variant.
Coding change: c.2291G>A on transcript NM_000552.5 (MANE Select); coding-DNA position 2291, G replaced by A.
Protein change: p.Ser764Asn; replaces serine 764 with asparagine.
Molecular consequence: missense variant.
Genome position (GRCh38, 1-based): chr12:6,044,442, C>T on the plus strand (G>A on the coding strand, the complement: VWF is on the minus strand). VCF-style: chr12-6044442-C-T. GRCh37 (hg19) VCF-style: chr12-6153608-C-T.
Other names: c.2291G>A (NM_000552.4); short protein forms S764N.
Identifiers: ClinVar variation 2457121 (VCV002457121.4), dbSNP rs761717107, ClinGen allele CA6403109.